The following is an entry in ClinVar:

ClinVar aggregate classification (germline): Uncertain significance (1 of 4 stars; one submission).

Conditions:
Tay-Sachs disease (TSD). Also called: Hexosaminidase A Deficiency; HEXA DEFICIENCY; HEXA Disorders; GM2 gangliosidosis, type 1; Hexosaminidase alpha-subunit deficiency (variant B); Sphingolipidosis, Tay-Sachs. Identifiers: Orphanet 845, MedGen C0039373, MONDO:0010100, OMIM 272800.

Allele frequency attached by ClinVar (database versions not stated): TOPMed below 0.00001.

Submission:

Labcorp Genetics (formerly Invitae), Labcorp
Classification: Uncertain significance for Tay-Sachs disease. Last evaluated: 2022-06-10. Review status: criteria provided, single submitter. Criteria: Invitae Variant Classification Sherloc (09022015). Collection method: clinical testing. Allele origin: germline.
Comment: This sequence change replaces valine, which is neutral and non-polar, with alanine, which is neutral and non-polar, at codon 60 of the HEXA protein (p.Val60Ala). This variant is not present in population databases (gnomAD no frequency). This variant has not been reported in the literature in individuals affected with HEXA-related conditions. Algorithms developed to predict the effect of missense changes on protein structure and function are either unavailable or do not agree on the potential impact of this missense change (SIFT: "Tolerated"; PolyPhen-2: "Probably Damaging"; Align-GVGD: "Class C0"). In summary, the available evidence is currently insufficient to determine the role of this variant in disease. Therefore, it has been classified as a Variant of Uncertain Significance.

NM_000520.6(HEXA):c.179T>C (p.Val60Ala)

Gene: HEXA (hexosaminidase subunit alpha; minus strand). Cytogenetic location: 15q23.
Variant type: single nucleotide variant.
Coding change: c.179T>C on transcript NM_000520.6 (MANE Select); coding-DNA position 179, T replaced by C.
Protein change: p.Val60Ala; replaces valine 60 with alanine.
Molecular consequence: missense variant. On other transcripts: non-coding transcript variant (1).
Genome position (GRCh38, 1-based): chr15:72,375,794, A>G on the plus strand (T>C on the coding strand, the complement: HEXA is on the minus strand). VCF-style: chr15-72375794-A-G. GRCh37 (hg19) VCF-style: chr15-72668135-A-G.
Other names: c.179T>C, p.Val60Ala (NM_001318825.2); short protein forms V60A.
Identifiers: ClinVar variation 1896094 (VCV001896094.2), dbSNP rs2089057089, ClinGen allele CA393070273.